The following is an entry in ClinVar:

NM_000548.5(TSC2):c.2331_2344del (p.His777fs)

Gene: TSC2 (TSC complex subunit 2; plus strand). Cytogenetic location: 16p13.3.
Variant type: Deletion.
Coding change: c.2331_2344del on transcript NM_000548.5 (MANE Select); coding-DNA positions 2331 to 2344, 14 bases deleted (TAACTACCTGGACA).
Protein change: p.His777fs; shifts the reading frame from histidine 777.
Molecular consequence: frameshift variant.
Genome position (GRCh38, 1-based): chr16:2,072,959-2,072,972, TAACTACCTGGACA deleted; deleting any 14 consecutive bases within chr16:2,072,957-2,072,972 gives the same sequence; the c. name uses the placement nearest the transcript's 3' end. VCF-style (leftmost placement, unchanged base first): chr16-2072956-CCATAACTACCTGGA-C. GRCh37 (hg19) VCF-style: chr16-2122957-CCATAACTACCTGGA-C.
Other names: c.2331_2344del, p.His777fs (NM_001077183.3, NM_001114382.3, NM_001363528.2 and 3 more transcripts); c.2220_2233del, p.His740fs (NM_001318827.2); c.2184_2197del, p.His728fs (NM_001318829.2); c.1731_1744del, p.His577fs (NM_001318831.2); c.2364_2377del, p.His788fs (NM_001318832.2); short protein forms H728fs, H740fs, H777fs, H577fs, H788fs.
Identifiers: ClinVar variation 964553 (VCV000964553.7), dbSNP rs2088702417, ClinGen allele CA1139664311.

ClinVar aggregate classification (germline): Pathogenic (1 of 4 stars; one submission).

Conditions:
Tuberous sclerosis 2 (TSC2). Identifiers: Orphanet 805, MedGen C1860707, MONDO:0013199, OMIM 613254.

Submission:

Labcorp Genetics (formerly Invitae), Labcorp
Classification: Pathogenic for Tuberous sclerosis 2. Last evaluated: 2019-10-29. Review status: criteria provided, single submitter. Criteria: Invitae Variant Classification Sherloc (09022015). Collection method: clinical testing. Allele origin: germline.
Comment: This sequence change creates a premature translational stop signal (p.His777Glnfs*36) in the TSC2 gene. It is expected to result in an absent or disrupted protein product. This variant is not present in population databases (ExAC no frequency). This variant has not been reported in the literature in individuals with TSC2-related conditions. Loss-of-function variants in TSC2 are known to be pathogenic (PMID: 10205261, 17304050). For these reasons, this variant has been classified as Pathogenic.

Literature cited by the submitters: PubMed 10205261; PubMed 17304050.